The following is an entry in ClinVar:

ClinVar aggregate classification (germline): Pathogenic (1 of 4 stars; one submission).

Allele frequency attached by ClinVar (database versions not stated): gnomAD exomes below 0.00001; gnomAD 0.00001; 1000 Genomes Project 30x 0.00016.
gnomAD v4.1: 6 of 1,567,532 alleles (0.00038%); highest among the groups gnomAD compares: Non-Finnish European, 0.00052%; no homozygotes.

Submission:

Labcorp Genetics (formerly Invitae), Labcorp
Classification: Pathogenic. Last evaluated: 2024-10-01. Review status: criteria provided, single submitter. Criteria: Invitae Variant Classification Sherloc (09022015). Collection method: clinical testing. Allele origin: germline.
Comment: This sequence change creates a premature translational stop signal (p.Trp63*) in the GDF1 gene. It is expected to result in an absent or disrupted protein product. Loss-of-function variants in GDF1 are known to be pathogenic (PMID: 20413652). This variant is present in population databases (no rsID available, gnomAD 0.007%). This variant has not been reported in the literature in individuals affected with GDF1-related conditions. ClinVar contains an entry for this variant (Variation ID: 664346). For these reasons, this variant has been classified as Pathogenic.

Literature cited by the submitters: PubMed 20413652.

NM_001492.6(GDF1):c.189G>A (p.Trp63Ter)

Genes: CERS1 (ceramide synthase 1; minus strand), GDF1 (growth differentiation factor 1; minus strand). Cytogenetic location: 19p13.11.
Variant type: single nucleotide variant.
Coding change: c.189G>A on transcript NM_001492.6 (MANE Select); coding-DNA position 189, G replaced by A.
Protein change: p.Trp63Ter; replaces tryptophan 63 with a stop codon.
Molecular consequence: nonsense. On other transcripts: 3 prime UTR variant (2).
Genome position (GRCh38, 1-based): chr19:18,870,119, C>T on the plus strand (G>A on the coding strand, the complement: GDF1 is on the minus strand). VCF-style: chr19-18870119-C-T. GRCh37 (hg19) VCF-style: chr19-18980928-C-T.
Other names: c.*458G>A (NM_001387440.1, NM_021267.5); c.189G>A, p.Trp63Ter (NM_001387438.1); short protein forms W63*.
Identifiers: ClinVar variation 664346 (VCV000664346.11), dbSNP rs1487660277, ClinGen allele CA404863776.